The following is an entry in ClinVar:

NM_000217.3(KCNA1):c.627G>C (p.Thr209=)

Gene: KCNA1 (potassium voltage-gated channel subfamily A member 1; plus strand). Cytogenetic location: 12p13.32.
Variant type: single nucleotide variant.
Coding change: c.627G>C on transcript NM_000217.3 (MANE Select); coding-DNA position 627, G replaced by C.
Protein change: p.Thr209=; no amino-acid change (threonine 209 retained).
Molecular consequence: synonymous variant.
Genome position (GRCh38, 1-based): chr12:4,912,005, G>C. VCF-style: chr12-4912005-G-C. GRCh37 (hg19) VCF-style: chr12-5021171-G-C.
Other names: p.Thr209=.
Identifiers: ClinVar variation 4683703 (VCV004683703.1).

ClinVar aggregate classification (germline): Likely benign (1 of 4 stars; one submission).

Submission:

Mayo Clinic Laboratories, Mayo Clinic
Classification: Likely benign. Last evaluated: 2025-09-05. Review status: criteria provided, single submitter. Criteria: ACMG Guidelines, 2015. Collection method: clinical testing. Allele origin: germline. Observed: 1 variant allele.
Comment: BP4, BP7